The following is an entry in ClinVar:

NM_147127.5(EVC2):c.208_212dup (p.Glu72fs)

Gene: EVC2 (EvC ciliary complex subunit 2; minus strand). Cytogenetic location: 4p16.2.
Variant type: Duplication.
Coding change: c.208_212dup on transcript NM_147127.5 (MANE Select); coding-DNA positions 208 to 212, 5 bases duplicated (GGGCC; older notation c.208_212dupGGGCC).
Protein change: p.Glu72fs; shifts the reading frame from glutamic acid 72.
Molecular consequence: frameshift variant. On other transcripts: intron variant (1).
Genome position (GRCh38, 1-based): chr4:5,708,302-5,708,306, GGCCC duplicated on the plus strand (GGGCC on the coding strand, the reverse complement: EVC2 is on the minus strand). VCF-style (leftmost placement, unchanged base first): chr4-5708301-G-GGGCCC. GRCh37 (hg19) VCF-style: chr4-5710028-G-GGGCCC.
Other names: c.-13+523_-13+527dup (NM_001166136.2); short protein forms E72fs.
Identifiers: ClinVar variation 1995424 (VCV001995424.4), dbSNP rs2474141872, ClinGen allele CA2580070776.

ClinVar aggregate classification (germline): Pathogenic (1 of 4 stars; one submission).

Conditions:
Curry-Hall syndrome (WAD). Also called: WEYERS ACRODENTAL DYSOSTOSIS. Identifiers: Orphanet 952, MedGen C0457013, MONDO:0008673, OMIM 193530.
Ellis-van Creveld syndrome (EVC). Also called: EVC-Related Ellis-van Creveld Syndrome; EVC2-Related Ellis-van Creveld Syndrome; MESOECTODERMAL DYSPLASIA; Chondroectodermal dysplasia. Identifiers: Orphanet 289, MedGen C0013903, MONDO:0009162, OMIM 225500.

Submission:

Labcorp Genetics (formerly Invitae), Labcorp
Classification: Pathogenic for Curry-Hall syndrome; Ellis-van Creveld syndrome. Last evaluated: 2022-05-17. Review status: criteria provided, single submitter. Criteria: Invitae Variant Classification Sherloc (09022015). Collection method: clinical testing. Allele origin: germline.
Comment: This sequence change creates a premature translational stop signal (p.Glu72Glyfs*12) in the EVC2 gene. It is expected to result in an absent or disrupted protein product. Loss-of-function variants in EVC2 are known to be pathogenic (PMID: 17024374, 19810119, 19876929). This variant is not present in population databases (gnomAD no frequency). For these reasons, this variant has been classified as Pathogenic. This variant has not been reported in the literature in individuals affected with EVC2-related conditions.

Literature cited by the submitters: PubMed 17024374; PubMed 19810119; PubMed 19876929.